The following is an entry in ClinVar:

ClinVar aggregate classification (germline): Uncertain significance (1 of 4 stars; one submission).

Conditions:
Inborn genetic diseases. Identifiers: MedGen C0950123, MeSH D030342.

gnomAD v4.1: 1 of 1,613,982 alleles (0.000062%); highest among the groups gnomAD compares: Non-Finnish European, 0.000085%; no homozygotes.

Submission:

Ambry Genetics
Classification: Uncertain significance for Inborn genetic diseases. Last evaluated: 2026-03-29. Review status: criteria provided, single submitter. Criteria: Ambry Variant Classification Scheme 2023. Collection method: clinical testing. Allele origin: germline.
Comment: The p.V1207L variant (also known as c.3619G>C), located in coding exon 13 of the ASXL1 gene, results from a G to C substitution at nucleotide position 3619. The valine at codon 1207 is replaced by leucine, an amino acid with highly similar properties. This amino acid position is conserved. In addition, this alteration is predicted to be tolerated by in silico analysis. Based on the available evidence, the clinical significance of this variant remains unclear.

NM_015338.6(ASXL1):c.3619G>C (p.Val1207Leu)

Gene: ASXL1 (ASXL transcriptional regulator 1; plus strand). Cytogenetic location: 20q11.21.
Variant type: single nucleotide variant.
Coding change: c.3619G>C on transcript NM_015338.6 (MANE Select); coding-DNA position 3619, G replaced by C.
Protein change: p.Val1207Leu; replaces valine 1207 with leucine.
Molecular consequence: missense variant.
Genome position (GRCh38, 1-based): chr20:32,436,331, G>C. VCF-style: chr20-32436331-G-C. GRCh37 (hg19) VCF-style: chr20-31024134-G-C.
Other names: c.3436G>C, p.Val1146Leu (NM_001363734.1); short protein forms V1146L, V1207L.
Identifiers: ClinVar variation 4864141 (VCV004864141.1).